The following is an entry in ClinVar:

ClinVar aggregate classification (germline): Likely benign (1 of 4 stars; one submission).

Conditions:
SLCO1B3-related disorder. Also called: SLCO1B3-related condition.

gnomAD v4.1: 17 of 1,567,342 alleles (0.0011%); highest among the groups gnomAD compares: East Asian, 0.023%; no homozygotes.

Submission:

PreventionGenetics, part of Exact Sciences
Classification: Likely benign for SLCO1B3-related condition. Last evaluated: 2026-08-18. Review status: criteria provided, single submitter. Criteria: ACMG Guidelines, 2015. Collection method: clinical testing. Allele origin: germline.
Comment: This variant is classified as likely benign based on ACMG/AMP sequence variant interpretation guidelines (Richards et al. 2015 PMID: 25741868, with internal and published modifications).

NM_019844.4(SLCO1B3):c.481+8T>G

Genes: SLCO1B3 (solute carrier organic anion transporter family member 1B3; plus strand), SLCO1B3-SLCO1B7 (SLCO1B3-SLCO1B7 readthrough; plus strand). Cytogenetic location: 12p12.2.
Variant type: single nucleotide variant.
Coding change: c.481+8T>G on transcript NM_019844.4 (MANE Select); 8 bases into the intron after coding-DNA position 481, T replaced by G.
Molecular consequence: intron variant.
Genome position (GRCh38, 1-based): chr12:20,861,146, T>G. VCF-style: chr12-20861146-T-G. GRCh37 (hg19) VCF-style: chr12-21014080-T-G.
Other names: c.397+8T>G (NM_001349920.2); c.481+8T>G (NM_001371097.1).
Identifiers: ClinVar variation 4996729 (VCV004996729.1).